The following is an entry in ClinVar:

ClinVar aggregate classification (germline): Uncertain significance. Review status: criteria provided, multiple submitters, no conflicts (2 of 4 stars). 2 submissions from 2 submitters: Uncertain significance (2). Last evaluated 2023-11-27.

Conditions:
Immunodeficiency 14 (IMD14A). Also called: ACTIVATED PI3K-DELTA SYNDROME 1; IMMUNODEFICIENCY 14A WITH LYMPHOPROLIFERATION, AUTOSOMAL DOMINANT; Activated PI3K Delta Syndrome Type 1 (APDS1); p110-DELTA-ACTIVATING MUTATION CAUSING SENESCENT T CELLS, LYMPHADENOPATHY, AND IMMUNODEFICIENCY. Identifiers: Orphanet 397596, Orphanet 693661, MedGen C5907821, MONDO:0014222, OMIM 615513.

Allele frequency attached by ClinVar (database versions not stated): ExAC 0.00003; gnomAD exomes 0.00005; TOPMed 0.00006.
gnomAD v4.1: 25 of 1,614,022 alleles (0.0015%); highest among the groups gnomAD compares: East Asian, 0.033%; no homozygotes.

Submissions (2):

Labcorp Genetics (formerly Invitae), Labcorp
Classification: Uncertain significance for Activated PI3K-delta syndrome. Last evaluated: 2023-11-27. Review status: criteria provided, single submitter. Criteria: Invitae Variant Classification Sherloc (09022015). Collection method: clinical testing. Allele origin: germline.
Comment: This sequence change replaces aspartic acid, which is acidic and polar, with glycine, which is neutral and non-polar, at codon 6 of the PIK3CD protein (p.Asp6Gly). This variant is present in population databases (rs749032083, gnomAD 0.05%). This variant has not been reported in the literature in individuals affected with PIK3CD-related conditions. ClinVar contains an entry for this variant (Variation ID: 1011232). An algorithm developed to predict the effect of missense changes on protein structure and function (PolyPhen-2) suggests that this variant is likely to be tolerated. In summary, the available evidence is currently insufficient to determine the role of this variant in disease. Therefore, it has been classified as a Variant of Uncertain Significance.

Breakthrough Genomics
Classification: Uncertain significance. Review status: criteria provided, single submitter. Criteria: ACMG Guidelines, 2015. Collection method: not provided. Allele origin: germline. Inheritance: Autosomal recessive inheritance. Affected: yes.

NM_005026.5(PIK3CD):c.17A>G (p.Asp6Gly)

Gene: PIK3CD (phosphatidylinositol-4,5-bisphosphate 3-kinase catalytic subunit delta; plus strand). Cytogenetic location: 1p36.22.
Variant type: single nucleotide variant.
Coding change: c.17A>G on transcript NM_005026.5 (MANE Select); coding-DNA position 17, A replaced by G.
Protein change: p.Asp6Gly; replaces aspartic acid 6 with glycine.
Molecular consequence: missense variant.
Genome position (GRCh38, 1-based): chr1:9,710,472, A>G. VCF-style: chr1-9710472-A-G. GRCh37 (hg19) VCF-style: chr1-9770530-A-G.
Other names: c.17A>G, p.Asp6Gly (NM_001350234.2, NM_001350235.1); short protein forms D6G.
Identifiers: ClinVar variation 1011232 (VCV001011232.10), dbSNP rs749032083, ClinGen allele CA576762.